The following is an entry in ClinVar:

NM_006231.4(POLE):c.1952G>A (p.Cys651Tyr)

Gene: POLE (DNA polymerase epsilon, catalytic subunit; minus strand). Cytogenetic location: 12q24.33.
Variant type: single nucleotide variant.
Coding change: c.1952G>A on transcript NM_006231.4 (MANE Select); coding-DNA position 1952, G replaced by A.
Protein change: p.Cys651Tyr; replaces cysteine 651 with tyrosine.
Molecular consequence: missense variant.
Genome position (GRCh38, 1-based): chr12:132,668,709, C>T on the plus strand (G>A on the coding strand, the complement: POLE is on the minus strand). VCF-style: chr12-132668709-C-T. GRCh37 (hg19) VCF-style: chr12-133245295-C-T.
Other names: c.1952G>A (NM_006231.2); short protein forms C651Y.
Identifiers: ClinVar variation 405871 (VCV000405871.11), dbSNP rs1060500877, ClinGen allele CA16613626.

ClinVar aggregate classification (germline): Uncertain significance. Review status: criteria provided, multiple submitters, no conflicts (2 of 4 stars). 2 submissions from 2 submitters: Uncertain significance (2). Last evaluated 2025-04-09.

Conditions:
Hereditary cancer-predisposing syndrome. Also called: Hereditary Cancer Syndrome; Hereditary neoplastic syndrome; Neoplastic Syndromes, Hereditary; Tumor predisposition. Identifiers: Orphanet 140162, MedGen C0027672, MeSH D009386, MONDO:0015356.

Allele frequency attached by ClinVar (database versions not stated): gnomAD exomes below 0.00001.
gnomAD v4.1: 1 of 1,614,090 alleles (0.000062%); highest among the groups gnomAD compares: East Asian, 0.0022%; no homozygotes.

Submissions (2):

Ambry Genetics
Classification: Uncertain significance for Hereditary cancer-predisposing syndrome. Last evaluated: 2025-04-09. Review status: criteria provided, single submitter. Criteria: Ambry Variant Classification Scheme 2023. Collection method: clinical testing. Allele origin: germline.
Comment: The p.C651Y variant (also known as c.1952G>A), located in coding exon 18 of the POLE gene, results from a G to A substitution at nucleotide position 1952. The cysteine at codon 651 is replaced by tyrosine, an amino acid with highly dissimilar properties. This amino acid position is conserved. In addition, this alteration is predicted to be deleterious by in silico analysis. Based on the available evidence, the clinical significance of this variant remains unclear.

Labcorp Genetics (formerly Invitae), Labcorp
Classification: Uncertain significance. Last evaluated: 2024-10-07. Review status: criteria provided, single submitter. Criteria: Invitae Variant Classification Sherloc (09022015). Collection method: clinical testing. Allele origin: germline.
Comment: This sequence change replaces cysteine, which is neutral and slightly polar, with tyrosine, which is neutral and polar, at codon 651 of the POLE protein (p.Cys651Tyr). This variant is present in population databases (no rsID available, gnomAD 0.006%). This variant has not been reported in the literature in individuals affected with POLE-related conditions. ClinVar contains an entry for this variant (Variation ID: 405871). Invitae Evidence Modeling of protein sequence and biophysical properties (such as structural, functional, and spatial information, amino acid conservation, physicochemical variation, residue mobility, and thermodynamic stability) indicates that this missense variant is expected to disrupt POLE protein function with a positive predictive value of 80%. In summary, the available evidence is currently insufficient to determine the role of this variant in disease. Therefore, it has been classified as a Variant of Uncertain Significance.